The following is an entry in ClinVar:

ClinVar aggregate classification (germline): Uncertain significance (1 of 4 stars; one submission).

Conditions:
Neuronopathy, distal hereditary motor, type 2C. Also called: HMN IIC; NEUROPATHY, DISTAL HEREDITARY MOTOR, AUTOSOMAL DOMINANT 4; NEURONOPATHY, DISTAL HEREDITARY MOTOR, HARDING TYPE IIC; NEUROPATHY, DISTAL HEREDITARY MOTOR, HARDING TYPE IIC. Identifiers: Orphanet 139525, MedGen C3150619, MONDO:0013243, OMIM 613376.

Allele frequency attached by ClinVar (database versions not stated): gnomAD exomes 0.00002; TOPMed 0.00002; gnomAD 0.00003; ExAC 0.00006; ESP Exome Variant Server 0.00008; 1000 Genomes Project 30x 0.00016.
gnomAD v4.1: 27 of 1,614,102 alleles (0.0017%); highest among the groups gnomAD compares: Non-Finnish European, 0.002%; no homozygotes.

Submission:

Labcorp Genetics (formerly Invitae), Labcorp
Classification: Uncertain significance for Neuronopathy, distal hereditary motor, type 2C. Last evaluated: 2025-02-18. Review status: criteria provided, single submitter. Criteria: Invitae Variant Classification Sherloc (09022015). Collection method: clinical testing. Allele origin: germline.
Comment: This sequence change replaces leucine, which is neutral and non-polar, with phenylalanine, which is neutral and non-polar, at codon 9 of the HSPB3 protein (p.Leu9Phe). This variant is present in population databases (rs142691743, gnomAD 0.005%). This variant has not been reported in the literature in individuals affected with HSPB3-related conditions. ClinVar contains an entry for this variant (Variation ID: 2037449). An algorithm developed to predict the effect of missense changes on protein structure and function (PolyPhen-2) suggests that this variant is likely to be tolerated. In summary, the available evidence is currently insufficient to determine the role of this variant in disease. Therefore, it has been classified as a Variant of Uncertain Significance.

NM_006308.3(HSPB3):c.25C>T (p.Leu9Phe)

Gene: HSPB3 (heat shock protein family B (small) member 3; plus strand). Cytogenetic location: 5q11.2.
Variant type: single nucleotide variant.
Coding change: c.25C>T on transcript NM_006308.3 (MANE Select); coding-DNA position 25, C replaced by T.
Protein change: p.Leu9Phe; replaces leucine 9 with phenylalanine.
Molecular consequence: missense variant.
Genome position (GRCh38, 1-based): chr5:54,455,814, C>T. VCF-style: chr5-54455814-C-T. GRCh37 (hg19) VCF-style: chr5-53751644-C-T.
Other names: short protein forms L9F.
Identifiers: ClinVar variation 2037449 (VCV002037449.4), dbSNP rs142691743, ClinGen allele CA3264587.